The following is an entry in ClinVar:

NM_000553.6(WRN):c.3962G>A (p.Arg1321Gln)

Gene: WRN (WRN RecQ like helicase; plus strand). Cytogenetic location: 8p12.
Variant type: single nucleotide variant.
Coding change: c.3962G>A on transcript NM_000553.6 (MANE Select); coding-DNA position 3962, G replaced by A.
Protein change: p.Arg1321Gln; replaces arginine 1321 with glutamine.
Molecular consequence: missense variant.
Genome position (GRCh38, 1-based): chr8:31,157,510, G>A. VCF-style: chr8-31157510-G-A. GRCh37 (hg19) VCF-style: chr8-31015026-G-A.
Other names: short protein forms R1321Q.
Identifiers: ClinVar variation 458473 (VCV000458473.7), dbSNP rs766042685, ClinGen allele CA4705213.

ClinVar aggregate classification (germline): Uncertain significance. Review status: criteria provided, multiple submitters, no conflicts (2 of 4 stars). 2 submissions from 2 submitters: Uncertain significance (2). Last evaluated 2025-01-07.

Conditions:
Werner syndrome (WRN). Identifiers: Orphanet 902, MedGen C0043119, MONDO:0010196, OMIM 277700.

Allele frequency attached by ClinVar (database versions not stated): gnomAD 0.00002; TOPMed 0.00005.
gnomAD v4.1: 55 of 1,613,926 alleles (0.0034%); highest among the groups gnomAD compares: Admixed American, 0.01%; no homozygotes.

Submissions (2):

Labcorp Genetics (formerly Invitae), Labcorp
Classification: Uncertain significance for Werner syndrome. Last evaluated: 2025-01-07. Review status: criteria provided, single submitter. Criteria: Invitae Variant Classification Sherloc (09022015). Collection method: clinical testing. Allele origin: germline.
Comment: This sequence change replaces arginine, which is basic and polar, with glutamine, which is neutral and polar, at codon 1321 of the WRN protein (p.Arg1321Gln). This variant is present in population databases (rs766042685, gnomAD 0.01%). This variant has not been reported in the literature in individuals affected with WRN-related conditions. ClinVar contains an entry for this variant (Variation ID: 458473). An algorithm developed to predict the effect of missense changes on protein structure and function outputs the following: PolyPhen-2: "Benign". The glutamine amino acid residue is found in multiple mammalian species, which suggests that this missense change does not adversely affect protein function. In summary, the available evidence is currently insufficient to determine the role of this variant in disease. Therefore, it has been classified as a Variant of Uncertain Significance.

Breakthrough Genomics
Classification: Uncertain significance. Review status: criteria provided, single submitter. Criteria: ACMG Guidelines, 2015. Collection method: not provided. Allele origin: germline. Inheritance: Autosomal recessive inheritance. Affected: yes.